The following is an entry in ClinVar:

NM_000038.6(APC):c.1743+690G>C

Gene: APC (APC regulator of WNT signaling pathway; plus strand). Cytogenetic location: 5q22.2.
Variant type: single nucleotide variant.
Coding change: c.1743+690G>C on transcript NM_000038.6 (MANE Select); 690 bases into the intron after coding-DNA position 1743, G replaced by C.
Molecular consequence: intron variant.
Genome position (GRCh38, 1-based): chr5:112,829,662, G>C. VCF-style: chr5-112829662-G-C. GRCh37 (hg19) VCF-style: chr5-112165359-G-C.
Other names: c.1743+690G>C (NM_001354895.2, NM_001127510.3); c.1773+690G>C (NM_001354897.2); c.1470+690G>C (NM_001354902.2); c.1689+690G>C (NM_001127511.3); c.1668+690G>C (NM_001354898.2); c.1365+690G>C (NM_001354904.2); c.894+690G>C (NM_001354906.2); c.1797+690G>C (NM_001354896.2); and 5 more.
Identifiers: ClinVar variation 82589 (VCV000082589.2), dbSNP rs75463123, ClinGen allele CA005706.

ClinVar aggregate classification (germline): other (0 of 4 stars; one submission).

Conditions:
Familial colorectal cancer. Identifiers: MedGen CN280943, MONDO:0023113. Disease mechanism: loss of function.

Submission:

Systems Biology Platform Zhejiang California International NanoSystems Institute
Classification: other for Familial colorectal cancer. Review status: no assertion criteria provided. Collection method: not provided. Allele origin: unknown.
ClinVar note: Converted during submission from cancer to other.